The following is an entry in ClinVar:

ClinVar aggregate classification (germline): Conflicting classifications of pathogenicity. Review status: criteria provided, conflicting classifications (1 of 4 stars). 3 submissions from 3 submitters: Uncertain significance (2); Likely benign (1). Last evaluated 2025-05-26.

Conditions:
Hereditary cancer-predisposing syndrome. Also called: Hereditary Cancer Syndrome; Neoplastic Syndromes, Hereditary; Tumor predisposition; Hereditary neoplastic syndrome. Identifiers: Orphanet 140162, MedGen C0027672, MeSH D009386, MONDO:0015356.
Fanconi anemia complementation group O. Also called: RAD51C-Related Fanconi Anemia. Identifiers: Orphanet 84, MedGen C3150653, MONDO:0013248, OMIM 613390.

Submissions (3):

Labcorp Genetics (formerly Invitae), Labcorp
Classification: Uncertain significance for Fanconi anemia complementation group O. Last evaluated: 2025-05-26. Review status: criteria provided, single submitter. Criteria: Invitae Variant Classification Sherloc (09022015). Collection method: clinical testing. Allele origin: germline.
Comment: This sequence change replaces isoleucine, which is neutral and non-polar, with valine, which is neutral and non-polar, at codon 63 of the RAD51C protein (p.Ile63Val). This variant is not present in population databases (gnomAD no frequency). This variant has not been reported in the literature in individuals affected with RAD51C-related conditions. ClinVar contains an entry for this variant (Variation ID: 232318). Invitae Evidence Modeling of protein sequence and biophysical properties (such as structural, functional, and spatial information, amino acid conservation, physicochemical variation, residue mobility, and thermodynamic stability) indicates that this missense variant is not expected to disrupt RAD51C protein function with a negative predictive value of 80%. In summary, the available evidence is currently insufficient to determine the role of this variant in disease. Therefore, it has been classified as a Variant of Uncertain Significance.

Color Diagnostics, LLC DBA Color Health
Classification: Uncertain significance for Hereditary cancer-predisposing syndrome. Last evaluated: 2024-03-06. Review status: criteria provided, single submitter. Criteria: ACMG Guidelines, 2015. Collection method: clinical testing. Allele origin: germline.
Comment: This missense variant replaces isoleucine with valine at codon 63 of the RAD51C protein. Computational prediction suggests that this variant may not impact protein structure and function (internally defined REVEL score threshold <= 0.5, PMID: 27666373). To our knowledge, functional studies have not been reported for this variant. This variant has not been reported in individuals affected with hereditary cancer in the literature. This variant has not been identified in the general population by the Genome Aggregation Database (gnomAD). The available evidence is insufficient to determine the role of this variant in disease conclusively. Therefore, this variant is classified as a Variant of Uncertain Significance.

Ambry Genetics
Classification: Likely benign for Hereditary cancer-predisposing syndrome. Last evaluated: 2024-02-26. Review status: criteria provided, single submitter. Criteria: Ambry Variant Classification Scheme 2023. Collection method: clinical testing. Allele origin: germline.

NM_058216.3(RAD51C):c.187A>G (p.Ile63Val)

Gene: RAD51C (RAD51 paralog C; plus strand). Cytogenetic location: 17q22.
Variant type: single nucleotide variant.
Coding change: c.187A>G on transcript NM_058216.3 (MANE Select); coding-DNA position 187, A replaced by G.
Protein change: p.Ile63Val; replaces isoleucine 63 with valine.
Molecular consequence: missense variant. On other transcripts: non-coding transcript variant (2).
Genome position (GRCh38, 1-based): chr17:58,694,972, A>G. VCF-style: chr17-58694972-A-G. GRCh37 (hg19) VCF-style: chr17-56772333-A-G.
Other names: c.187A>G, p.Ile63Val (NM_002876.4); short protein forms I63V.
Identifiers: ClinVar variation 232318 (VCV000232318.11), dbSNP rs876659694, ClinGen allele CA10580726.